The following is an entry in ClinVar:

ClinVar aggregate classification (germline): Uncertain significance (1 of 4 stars; one submission).

Submission:

GeneDx
Classification: Uncertain significance. Last evaluated: 2024-03-05. Review status: criteria provided, single submitter. Criteria: GeneDx Variant Classification Process June 2021. Collection method: clinical testing. Allele origin: germline. Affected: yes.
Comment: Not observed at significant frequency in large population cohorts (gnomAD); In silico analysis supports that this missense variant has a deleterious effect on protein structure/function; Has not been previously published as pathogenic or benign to our knowledge

NM_012250.6(RRAS2):c.489T>A (p.Asn163Lys)

Gene: RRAS2 (RAS related 2; minus strand). Cytogenetic location: 11p15.2.
Variant type: single nucleotide variant.
Coding change: c.489T>A on transcript NM_012250.6 (MANE Select); coding-DNA position 489, T replaced by A.
Protein change: p.Asn163Lys; replaces asparagine 163 with lysine.
Molecular consequence: missense variant.
Genome position (GRCh38, 1-based): chr11:14,281,640, A>T on the plus strand (T>A on the coding strand, the complement: RRAS2 is on the minus strand). VCF-style: chr11-14281640-A-T. GRCh37 (hg19) VCF-style: chr11-14303186-A-T.
Other names: c.258T>A, p.Asn86Lys (NM_001102669.3, NM_001177315.2); c.384T>A, p.Asn128Lys (NM_001177314.2); short protein forms N128K, N163K, N86K.
Identifiers: ClinVar variation 3373746 (VCV003373746.1).